The following is an entry in ClinVar:

ClinVar aggregate classification (germline): Uncertain significance (1 of 4 stars; one submission).

Conditions:
Hereditary spastic paraplegia 8 (SPG8). Also called: SPASTIC PARAPLEGIA 8, AUTOSOMAL DOMINANT. Identifiers: Orphanet 100989, MedGen C1863704, MONDO:0011339, OMIM 603563.
Ritscher-Schinzel syndrome. Also called: CRANIOCEREBELLOCARDIAC DYSPLASIA. Identifiers: Orphanet 7, MedGen C0796137, MONDO:0019078.

Allele frequency attached by ClinVar (database versions not stated): ExAC 0.00001; TOPMed 0.00005; gnomAD 0.00003.
gnomAD v4.1: 10 of 1,613,780 alleles (0.00062%); highest among the groups gnomAD compares: African/African-American, 0.012%; no homozygotes.

Submission:

Labcorp Genetics (formerly Invitae), Labcorp
Classification: Uncertain significance for Ritscher-Schinzel syndrome; Hereditary spastic paraplegia 8. Last evaluated: 2023-04-09. Review status: criteria provided, single submitter. Criteria: Invitae Variant Classification Sherloc (09022015). Collection method: clinical testing. Allele origin: germline.
Comment: In summary, the available evidence is currently insufficient to determine the role of this variant in disease. Therefore, it has been classified as a Variant of Uncertain Significance. Advanced modeling of protein sequence and biophysical properties (such as structural, functional, and spatial information, amino acid conservation, physicochemical variation, residue mobility, and thermodynamic stability) performed at Invitae indicates that this missense variant is not expected to disrupt WASHC5 protein function. This variant has not been reported in the literature in individuals affected with WASHC5-related conditions. This variant is present in population databases (rs781756466, gnomAD 0.01%). This sequence change replaces asparagine, which is neutral and polar, with serine, which is neutral and polar, at codon 9 of the WASHC5 protein (p.Asn9Ser).

NM_014846.4(WASHC5):c.26A>G (p.Asn9Ser)

Gene: WASHC5 (WASH complex subunit 5; minus strand). Cytogenetic location: 8q24.13.
Variant type: single nucleotide variant.
Coding change: c.26A>G on transcript NM_014846.4 (MANE Select); coding-DNA position 26, A replaced by G.
Protein change: p.Asn9Ser; replaces asparagine 9 with serine.
Molecular consequence: missense variant. On other transcripts: intron variant (1).
Genome position (GRCh38, 1-based): chr8:125,083,873, T>C on the plus strand (A>G on the coding strand, the complement: WASHC5 is on the minus strand). VCF-style: chr8-125083873-T-C. GRCh37 (hg19) VCF-style: chr8-126096115-T-C.
Other names: c.-258-615A>G (NM_001330609.2); short protein forms N9S.
Identifiers: ClinVar variation 2931217 (VCV002931217.3), dbSNP rs781756466, ClinGen allele CA4874223.
Genomic context (GRCh38, chr8:125,083,873, plus strand): 5'-AGTTCAGCAATGATGGCATTACCACAGGAAACAATCCTTAGGATTGCTTGGCCACAGAGG[T>C]TGTTCTCGGCTAGAAAGTCCAACATTGTGAGGCGGACCGACTACTCTGTGCCTGGACACT-3'
Protein context (NP_055661.3, residues 1-19): MLDFLAEN[Asn9Ser]LCGQAILRIV